The following is an entry in ClinVar:

NM_003000.3(SDHB):c.211A>G (p.Met71Val)

Gene: SDHB (succinate dehydrogenase complex iron sulfur subunit B; minus strand). Cytogenetic location: 1p36.13.
Variant type: single nucleotide variant.
Coding change: c.211A>G on transcript NM_003000.3 (MANE Select); coding-DNA position 211, A replaced by G.
Protein change: p.Met71Val; replaces methionine 71 with valine.
Molecular consequence: missense variant.
Genome position (GRCh38, 1-based): chr1:17,033,135, T>C on the plus strand (A>G on the coding strand, the complement: SDHB is on the minus strand). VCF-style: chr1-17033135-T-C. GRCh37 (hg19) VCF-style: chr1-17359630-T-C.
Other names: Chr1:17033135T>C; short protein forms M71V.
Identifiers: ClinVar variation 820657 (VCV000820657.16), dbSNP rs1557742895, ClinGen allele CA338276626.

ClinVar aggregate classification (germline): Conflicting classifications of pathogenicity. Review status: criteria provided, conflicting classifications (1 of 4 stars). 4 submissions from 4 submitters: Likely pathogenic (1); Uncertain significance (2). 1 of the submissions does not count toward it. Last evaluated 2025-05-23.

Conditions:
Pheochromocytoma/paraganglioma syndrome 4. Also called: SDHB-Related Hereditary Paraganglioma-Pheochromocytoma Syndrome (Paragangliomas 4); SDHB-Related Hereditary Paraganglioma-Pheochromocytoma Syndrome; Paragangliomas 4; CAROTID BODY TUMORS AND MULTIPLE EXTRAADRENAL PHEOCHROMOCYTOMAS; PARAGANGLIOMA, FAMILIAL MALIGNANT; PARAGANGLIOMAS, HEREDITARY EXTRAADRENAL. Identifiers: Orphanet 29072, MedGen C1861848, MONDO:0007273, OMIM 115310.
Hereditary cancer-predisposing syndrome. Also called: Neoplastic Syndromes, Hereditary; Hereditary Cancer Syndrome; Hereditary neoplastic syndrome; Tumor predisposition. Identifiers: Orphanet 140162, MedGen C0027672, MeSH D009386, MONDO:0015356.
Gastrointestinal stromal tumor. Also called: Gastrointestinal stromal tumor, somatic; Gastrointestinal stroma tumor. Identifiers: Orphanet 44890, MedGen C0238198, MeSH D046152, MONDO:0011719, OMIM 606764, HP:0100723.
Pheochromocytoma. Also called: MAX-Related Hereditary Paraganglioma-Pheochromocytoma Syndrome. Identifiers: Orphanet 29072, MedGen C0031511, MONDO:0008233, OMIM 171300, HP:0002666.

Allele frequency attached by ClinVar (database versions not stated): gnomAD exomes below 0.00001.
gnomAD v4.1: 2 of 1,612,270 alleles (0.00012%); highest among the groups gnomAD compares: Non-Finnish European, 0.00017%; no homozygotes.

Submissions (4):

Ambry Genetics
Classification: Likely pathogenic for Hereditary cancer-predisposing syndrome. Last evaluated: 2025-05-23. Review status: criteria provided, single submitter. Criteria: Ambry Variant Classification Scheme 2023. Collection method: clinical testing. Allele origin: germline.
Comment: The p.M71V variant (also known as c.211A>G), located in coding exon 3 of the SDHB gene, results from an A to G substitution at nucleotide position 211. The methionine at codon 71 is replaced by valine, an amino acid with highly similar properties. This variant was reported in individual(s) with features consistent with SDHB-related hereditary pheochromocytoma-paraganglioma (Richter S et al. Endocr Relat Cancer, 2022 Mar;29:213-224; external communication). This amino acid position is highly conserved in available vertebrate species. In addition, this alteration is predicted to be deleterious by in silico analysis. This variant is considered to be rare based on population cohorts in the Genome Aggregation Database (gnomAD). Based on the majority of available evidence to date, this variant is likely to be pathogenic.

Baylor Genetics
Classification: Uncertain significance for Gastrointestinal stromal tumor. Last evaluated: 2023-11-23. Review status: criteria provided, single submitter. Criteria: ACMG Guidelines, 2015. Collection method: clinical testing. Allele origin: unknown.

Labcorp Genetics (formerly Invitae), Labcorp
Classification: Uncertain significance for Gastrointestinal stromal tumor; Pheochromocytoma/paraganglioma syndrome 4; Pheochromocytoma. Last evaluated: 2019-09-23. Review status: criteria provided, single submitter. Criteria: Invitae Variant Classification Sherloc (09022015). Collection method: clinical testing. Allele origin: germline.
Comment: In summary, the available evidence is currently insufficient to determine the role of this variant in disease. Therefore, it has been classified as a Variant of Uncertain Significance. Algorithms developed to predict the effect of missense changes on protein structure and function are either unavailable or do not agree on the potential impact of this missense change (SIFT: "Deleterious"; PolyPhen-2: "Benign"; Align-GVGD: "Class C15"). This variant has not been reported in the literature in individuals with SDHB-related conditions. This variant is not present in population databases (ExAC no frequency). This sequence change replaces methionine with valine at codon 71 of the SDHB protein (p.Met71Val). The methionine residue is highly conserved and there is a small physicochemical difference between methionine and valine.

Center for Human Genetics and Genomic Medicine, Uniklinik Rwth Aachen
Classification: Uncertain significance for Pheochromocytoma/paraganglioma syndrome 4. Last evaluated: 2021-11-30. Review status: no assertion criteria provided. Collection method: clinical testing. Allele origin: germline. Inheritance: Autosomal dominant inheritance. Affected: yes. Observed: 1 heterozygote. Not counted in ClinVar's aggregate classification.

Literature cited by the submitters: PubMed 35171114 (cited by Ambry Genetics).